The following is an entry in ClinVar:

NM_001258392.3(CLPB):c.370G>T (p.Val124Phe)

Gene: CLPB (ClpB family mitochondrial disaggregase; minus strand). Cytogenetic location: 11q13.4.
Variant type: single nucleotide variant.
Coding change: c.370G>T on transcript NM_001258392.3 (MANE Select); coding-DNA position 370, G replaced by T.
Protein change: p.Val124Phe; replaces valine 124 with phenylalanine.
Molecular consequence: missense variant.
Genome position (GRCh38, 1-based): chr11:72,434,105, C>A on the plus strand (G>T on the coding strand, the complement: CLPB is on the minus strand). VCF-style: chr11-72434105-C-A. GRCh37 (hg19) VCF-style: chr11-72145149-C-A.
Other names: c.370G>T, p.Val124Phe (NM_001258393.3, NM_030813.6); c.128G>T, p.Gly43Val (NM_001258394.3); c.370G>T (NM_030813.3); short protein forms V124F, G43V.
Identifiers: ClinVar variation 566693 (VCV000566693.12), dbSNP rs139361195, ClinGen allele CA6171614.

ClinVar aggregate classification (germline): Uncertain significance. Review status: criteria provided, multiple submitters, no conflicts (2 of 4 stars). 4 submissions from 4 submitters: Uncertain significance (4). Last evaluated 2026-01-22.

Conditions:
Inborn genetic diseases. Identifiers: MedGen C0950123, MeSH D030342.
3-methylglutaconic aciduria, type VIIB (MGCA7B). Also called: CLPB Deficiency; 3-methylglutaconic aciduria, type VII, with cataracts, neurologic involvement and neutropenia; 3-methylglutaconic aciduria with cataracts, neurologic involvement and neutropenia. Identifiers: Orphanet 445038, MedGen C5676893, MONDO:0014561, OMIM 616271.

Allele frequency attached by ClinVar (database versions not stated): gnomAD exomes 0.00005 and 0.00012; TOPMed 0.00005; ExAC 0.00006; gnomAD 0.00007.
gnomAD v4.1: 178 of 1,611,684 alleles (0.011%); highest among the groups gnomAD compares: Non-Finnish European, 0.015%; 1 homozygote.

Submissions (4):

Women's Health and Genetics/Laboratory Corporation of America, LabCorp
Classification: Uncertain significance. Last evaluated: 2026-01-22. Review status: criteria provided, single submitter. Criteria: LabCorp Variant Classification Summary - May 2015. Collection method: clinical testing. Allele origin: germline.

Ambry Genetics
Classification: Uncertain significance for Inborn genetic diseases. Last evaluated: 2025-06-11. Review status: criteria provided, single submitter. Criteria: Ambry Variant Classification Scheme 2023. Collection method: clinical testing. Allele origin: germline.

Labcorp Genetics (formerly Invitae), Labcorp
Classification: Uncertain significance for 3-methylglutaconic aciduria, type VIIB. Last evaluated: 2025-05-06. Review status: criteria provided, single submitter. Criteria: Invitae Variant Classification Sherloc (09022015). Collection method: clinical testing. Allele origin: germline.
Comment: This sequence change replaces valine, which is neutral and non-polar, with phenylalanine, which is neutral and non-polar, at codon 124 of the CLPB protein (p.Val124Phe). This variant is present in population databases (rs139361195, gnomAD 0.01%). This variant has not been reported in the literature in individuals affected with CLPB-related conditions. ClinVar contains an entry for this variant (Variation ID: 566693). An algorithm developed to predict the effect of missense changes on protein structure and function (PolyPhen-2) suggests that this variant is likely to be disruptive. In summary, the available evidence is currently insufficient to determine the role of this variant in disease. Therefore, it has been classified as a Variant of Uncertain Significance.

GeneDx
Classification: Uncertain significance. Last evaluated: 2023-11-27. Review status: criteria provided, single submitter. Criteria: GeneDx Variant Classification Process June 2021. Collection method: clinical testing. Allele origin: germline. Affected: yes.
Comment: Has not been previously published as pathogenic or benign to our knowledge; In silico analysis supports that this missense variant does not alter protein structure/function